The following is an entry in ClinVar:

NM_006254.4(PRKCD):c.5C>T (p.Ala2Val)

Gene: PRKCD (protein kinase C delta; plus strand). Cytogenetic location: 3p21.1.
Variant type: single nucleotide variant.
Coding change: c.5C>T on transcript NM_006254.4 (MANE Select); coding-DNA position 5, C replaced by T.
Protein change: p.Ala2Val; replaces alanine 2 with valine.
Molecular consequence: missense variant.
Genome position (GRCh38, 1-based): chr3:53,178,427, C>T. VCF-style: chr3-53178427-C-T. GRCh37 (hg19) VCF-style: chr3-53212443-C-T.
Other names: c.5C>T, p.Ala2Val (NM_001316327.2, NM_001354679.2, NM_001354680.2 and 1 more transcripts); c.62C>T, p.Ala21Val (NM_001354676.2); c.53C>T, p.Ala18Val (NM_001354678.2); short protein forms A18V, A2V, A21V.
Identifiers: ClinVar variation 1411647 (VCV001411647.6), dbSNP rs781958692, ClinGen allele CA2451619.
Genomic context (GRCh38, chr3:53,178,427, plus strand): 5'-CGCCCGGCCGCCTGGCCTCACCCCTCTGTGTGCACAGCCCCACTGCAGGCCCCACCATGG[C>T]GCCGTTCCTGCGCATCGCCTTCAACTCCTATGAGCTGGGCTCCCTGCAGGCCGAGGACGA-3'
Protein context (NP_006245.2, residues 1-12): M[Ala2Val]PFLRIAFNSY

ClinVar aggregate classification (germline): Uncertain significance (1 of 4 stars; one submission).

Conditions:
Autoimmune lymphoproliferative syndrome, type III caused by mutation in PRKCD. Identifiers: Orphanet 3261, Orphanet 664711, MedGen C3809928, MONDO:8000024, OMIM 615559.

Allele frequency attached by ClinVar (database versions not stated): gnomAD 0.00001; gnomAD exomes below 0.00001.

Submission:

Labcorp Genetics (formerly Invitae), Labcorp
Classification: Uncertain significance for Autoimmune lymphoproliferative syndrome, type III caused by mutation in PRKCD. Last evaluated: 2022-06-20. Review status: criteria provided, single submitter. Criteria: Invitae Variant Classification Sherloc (09022015). Collection method: clinical testing. Allele origin: germline.
Comment: This sequence change replaces alanine, which is neutral and non-polar, with valine, which is neutral and non-polar, at codon 2 of the PRKCD protein (p.Ala2Val). In summary, the available evidence is currently insufficient to determine the role of this variant in disease. Therefore, it has been classified as a Variant of Uncertain Significance. Algorithms developed to predict the effect of sequence changes on RNA splicing suggest that this variant may create or strengthen a splice site. Algorithms developed to predict the effect of missense changes on protein structure and function are either unavailable or do not agree on the potential impact of this missense change (SIFT: "Deleterious"; PolyPhen-2: "Possibly Damaging"; Align-GVGD: "Class C0"). This variant has not been reported in the literature in individuals affected with PRKCD-related conditions. The frequency data for this variant in the population databases is considered unreliable, as metrics indicate poor data quality at this position in the gnomAD database.